The following is an entry in ClinVar:

NM_032043.3(BRIP1):c.466G>T (p.Val156Leu)

Gene: BRIP1 (BRCA1 interacting DNA helicase 1; minus strand). Cytogenetic location: 17q23.2.
Variant type: single nucleotide variant.
Coding change: c.466G>T on transcript NM_032043.3 (MANE Select); coding-DNA position 466, G replaced by T.
Protein change: p.Val156Leu; replaces valine 156 with leucine.
Molecular consequence: missense variant.
Genome position (GRCh38, 1-based): chr17:61,849,170, C>A on the plus strand (G>T on the coding strand, the complement: BRIP1 is on the minus strand). VCF-style: chr17-61849170-C-A. GRCh37 (hg19) VCF-style: chr17-59926531-C-A.
Other names: short protein forms V156L.
Identifiers: ClinVar variation 924766 (VCV000924766.18), dbSNP rs876659373, ClinGen allele CA400484429.

ClinVar aggregate classification (germline): Uncertain significance. Review status: criteria provided, multiple submitters, no conflicts (2 of 4 stars). 4 submissions from 4 submitters: Uncertain significance (4). Last evaluated 2025-03-24.

Conditions:
Familial cancer of breast. Also called: hereditary breast carcinoma; BREAST CANCER, FAMILIAL; Hereditary breast cancer. Identifiers: Orphanet 227535, MedGen C0346153, MONDO:0016419, OMIM 114480. Disease mechanism: loss of function.
Fanconi anemia complementation group J. Also called: BRIP1-Related Fanconi Anemia. Identifiers: Orphanet 84, MedGen C1836860, MONDO:0012187, OMIM 609054.
Hereditary cancer-predisposing syndrome. Also called: Hereditary Cancer Syndrome; Hereditary neoplastic syndrome; Neoplastic Syndromes, Hereditary; Tumor predisposition. Identifiers: Orphanet 140162, MedGen C0027672, MeSH D009386, MONDO:0015356.

Allele frequency attached by ClinVar (database versions not stated): TOPMed 0.00002.

Submissions (4):

Color Diagnostics, LLC DBA Color Health
Classification: Uncertain significance for Hereditary cancer-predisposing syndrome. Last evaluated: 2025-03-24. Review status: criteria provided, single submitter. Criteria: ACMG Guidelines, 2015. Collection method: clinical testing. Allele origin: germline.
Comment: This missense variant replaces valine with leucine at codon 156 of the BRIP1 protein. Computational prediction suggests that this variant may not impact protein structure and function. To our knowledge, functional studies have not been reported for this variant. This variant has been reported in an individual at high risk for hereditary breast and ovarian cancer. This variant has not been identified in the general population by the Genome Aggregation Database (gnomAD). The available evidence is insufficient to determine the role of this variant in disease conclusively. Therefore, this variant is classified as a Variant of Uncertain Significance.

Labcorp Genetics (formerly Invitae), Labcorp
Classification: Uncertain significance for Familial cancer of breast; Fanconi anemia complementation group J. Last evaluated: 2025-02-24. Review status: criteria provided, single submitter. Criteria: Invitae Variant Classification Sherloc (09022015). Collection method: clinical testing. Allele origin: germline.
Comment: This sequence change replaces valine, which is neutral and non-polar, with leucine, which is neutral and non-polar, at codon 156 of the BRIP1 protein (p.Val156Leu). This variant is not present in population databases (gnomAD no frequency). This variant has not been reported in the literature in individuals affected with BRIP1-related conditions. ClinVar contains an entry for this variant (Variation ID: 924766). Invitae Evidence Modeling of protein sequence and biophysical properties (such as structural, functional, and spatial information, amino acid conservation, physicochemical variation, residue mobility, and thermodynamic stability) indicates that this missense variant is not expected to disrupt BRIP1 protein function with a negative predictive value of 95%. Algorithms developed to predict the effect of sequence changes on RNA splicing suggest that this variant may disrupt the consensus splice site. In summary, the available evidence is currently insufficient to determine the role of this variant in disease. Therefore, it has been classified as a Variant of Uncertain Significance.

Ambry Genetics
Classification: Uncertain significance for Hereditary cancer-predisposing syndrome. Last evaluated: 2024-12-05. Review status: criteria provided, single submitter. Criteria: Ambry Variant Classification Scheme 2023. Collection method: clinical testing. Allele origin: germline.
Comment: The p.V156L variant (also known as c.466G>T), located in coding exon 4 of the BRIP1 gene, results from a G to T substitution at nucleotide position 466. The valine at codon 156 is replaced by leucine, an amino acid with highly similar properties. This amino acid position is not well conserved in available vertebrate species. In addition, this alteration is predicted to be tolerated by in silico analysis. Based on the available evidence, the clinical significance of this variant remains unclear.

Baylor Genetics
Classification: Uncertain significance for Familial cancer of breast. Last evaluated: 2023-09-27. Review status: criteria provided, single submitter. Criteria: ACMG Guidelines, 2015. Collection method: clinical testing. Allele origin: unknown.